The following is an entry in ClinVar:

NM_004614.5(TK2):c.503del (p.Ile168fs)

Gene: TK2 (thymidine kinase 2; minus strand). Cytogenetic location: 16q21.
Variant type: Deletion.
Coding change: c.503del on transcript NM_004614.5 (MANE Select); coding-DNA position 503, one base deleted (T; older notation c.503delT).
Protein change: p.Ile168fs; shifts the reading frame from isoleucine 168.
Molecular consequence: frameshift variant. On other transcripts: non-coding transcript variant (1), intron variant (1).
Genome position (GRCh38, 1-based): chr16:66,517,824, A deleted on the plus strand (T on the coding strand, the reverse complement: TK2 is on the minus strand). VCF-style (leftmost placement, unchanged base first): chr16-66517823-GA-G. GRCh37 (hg19) VCF-style: chr16-66551726-GA-G.
Other names: c.410del, p.Ile137fs (NM_001172643.1); c.428del, p.Ile143fs (NM_001172644.2); c.449del, p.Ile150fs (NM_001172645.2); c.356del, p.Ile119fs (NM_001271934.2); c.212del, p.Ile71fs (NM_001272050.2); c.357-4013del (NM_001271935.1); short protein forms I119fs, I137fs, I143fs, I150fs, I168fs, I71fs.
Identifiers: ClinVar variation 3778846 (VCV003778846.2).

ClinVar aggregate classification (germline): Pathogenic (1 of 4 stars; one submission).

Conditions:
Mitochondrial disease. Also called: Mitochondrial disorders; Mitochondrial disorder. Identifiers: Orphanet 68380, MedGen C0751651, MeSH D028361, MONDO:0044970.

Submission:

Genomenon, Inc
Classification: Pathogenic for Mitochondrial disease. Last evaluated: 2025-11-24. Review status: criteria provided, single submitter. Criteria: Genomenon Sequence Variant Interpretation Standards - Updated. Collection method: curation. Allele origin: germline. Affected: yes.
Comment: TK2 p.Ile168ThrfsTer2 (c.503del) is a frameshift variant that results in the production of a truncated protein which is predicted to undergo nonsense-mediated mRNA decay. This variant has been observed in a proband affected with mitochondrial disease in the compound heterozygous state (38544965). This variant is not present at a significant frequency in gnomAD. In conclusion, we classify TK2 p.Ile168ThrfsTer2 (c.503del) as a pathogenic variant.

Literature cited by the submitters: PubMed 38544965.